The following is an entry in ClinVar:

NM_000548.5(TSC2):c.4351C>A (p.Arg1451Ser)

Gene: TSC2 (TSC complex subunit 2; plus strand). Cytogenetic location: 16p13.3.
Variant type: single nucleotide variant.
Coding change: c.4351C>A on transcript NM_000548.5 (MANE Select); coding-DNA position 4351, C replaced by A.
Protein change: p.Arg1451Ser; replaces arginine 1451 with serine.
Molecular consequence: missense variant.
Genome position (GRCh38, 1-based): chr16:2,084,573, C>A. VCF-style: chr16-2084573-C-A. GRCh37 (hg19) VCF-style: chr16-2134574-C-A.
Other names: c.4150C>A, p.Arg1384Ser (NM_001077183.3); c.4282C>A, p.Arg1428Ser (NM_001114382.3); c.4042C>A, p.Arg1348Ser (NM_001318827.2); c.4006C>A, p.Arg1336Ser (NM_001318829.2); c.3619C>A, p.Arg1207Ser (NM_001318831.2); c.4183C>A, p.Arg1395Ser (NM_001318832.2); c.4153C>A, p.Arg1385Ser (NM_001363528.2); c.4219C>A, p.Arg1407Ser (NM_001370404.1); and 2 more; short protein forms R1451S, R1407S, R1336S, R1385S, R1428S, R1207S, R1348S, R1384S.
Identifiers: ClinVar variation 468084 (VCV000468084.24), dbSNP rs369553241, ClinGen allele CA050936.
Genomic context (GRCh38, chr16:2,084,573, plus strand): 5'-TCGGCCTCGGGCGAAGACAGTCGGGGCCAGCCCGAGGGTCCCTTGCCTTCCAGCTCCCCC[C>A]GCTCGCCCAGTGGCCTCCGGCCCCGAGGTTACACCATCTCCGACTCGGCCCCATCACGCA-3'
Protein context (NP_000539.2, residues 1441-1461): PEGPLPSSSP[Arg1451Ser]SPSGLRPRGY

ClinVar aggregate classification (germline): Conflicting classifications of pathogenicity. Review status: criteria provided, conflicting classifications (1 of 4 stars). 7 submissions from 7 submitters: Uncertain significance (5); Benign (1); Likely benign (1). Last evaluated 2025-09-03.

Conditions:
Hereditary cancer-predisposing syndrome. Also called: Hereditary neoplastic syndrome; Neoplastic Syndromes, Hereditary; Tumor predisposition; Hereditary Cancer Syndrome. Identifiers: Orphanet 140162, MedGen C0027672, MeSH D009386, MONDO:0015356.
Tuberous sclerosis syndrome (TSC). Also called: Tuberous Sclerosis Complex; Tuberous sclerosis. Identifiers: Orphanet 805, MedGen C0041341, MONDO:0001734.
TSC2-related disorder. Also called: TSC2-related condition; TSC2-Related Disorders.
Tuberous sclerosis 2 (TSC2). Identifiers: Orphanet 805, MedGen C1860707, MONDO:0013199, OMIM 613254.

Allele frequency attached by ClinVar (database versions not stated): 1000 Genomes Project 30x 0.00016.
gnomAD v4.1: 6 of 1,607,480 alleles (0.00037%); highest among the groups gnomAD compares: Admixed American, 0.0033%; no homozygotes.

Submissions (7):

Labcorp Genetics (formerly Invitae), Labcorp
Classification: Benign for Tuberous sclerosis 2. Last evaluated: 2025-09-03. Review status: criteria provided, single submitter. Criteria: Invitae Variant Classification Sherloc (09022015). Collection method: clinical testing. Allele origin: germline.

Quest Diagnostics Nichols Institute San Juan Capistrano
Classification: Uncertain significance. Last evaluated: 2025-07-23. Review status: criteria provided, single submitter. Criteria: Quest Diagnostics criteria. Collection method: clinical testing. Allele origin: unknown.

Women's Health and Genetics/Laboratory Corporation of America, LabCorp
Classification: Uncertain significance. Last evaluated: 2025-04-23. Review status: criteria provided, single submitter. Criteria: LabCorp Variant Classification Summary - May 2015. Collection method: clinical testing. Allele origin: germline.
Comment: Variant summary: TSC2 c.4351C>A (p.Arg1451Ser) results in a non-conservative amino acid change in the encoded protein sequence. Three of five in-silico tools predict a damaging effect of the variant on protein function. The variant allele was found at a frequency of 4.2e-06 in 239846 control chromosomes (gnomAD). The available data on variant occurrences in the general population are insufficient to allow any conclusion about variant significance. c.4351C>A has been observed in one individual affected with myelomeningocele (Au_2021). The report does not provide unequivocal conclusions about association of the variant with Tuberous Sclerosis Complex. To our knowledge, no experimental evidence demonstrating an impact on protein function has been reported. The following publication have been ascertained in the context of this evaluation (PMID: 33574475). ClinVar contains an entry for this variant (Variation ID: 468084). Based on the evidence outlined above, the variant was classified as uncertain significance.

Ambry Genetics
Classification: Uncertain significance for Hereditary cancer-predisposing syndrome. Last evaluated: 2024-04-22. Review status: criteria provided, single submitter. Criteria: Ambry Variant Classification Scheme 2023. Collection method: clinical testing. Allele origin: germline.
Comment: The p.R1451S variant (also known as c.4351C>A), located in coding exon 33 of the TSC2 gene, results from a C to A substitution at nucleotide position 4351. The arginine at codon 1451 is replaced by serine, an amino acid with dissimilar properties. This amino acid position is not well conserved in available vertebrate species. In addition, the in silico prediction for this alteration is inconclusive. Since supporting evidence is limited at this time, the clinical significance of this alteration remains unclear.

PreventionGenetics, part of Exact Sciences
Classification: Uncertain significance for TSC2-related condition. Last evaluated: 2023-07-11. Review status: criteria provided, single submitter. Criteria: ACMG Guidelines, 2015. Collection method: clinical testing. Allele origin: germline.
Comment: The TSC2 c.4351C>A variant is predicted to result in the amino acid substitution p.Arg1451Ser. To our knowledge, this variant has not been reported in the literature. This variant is reported in 0.0029% of alleles in individuals of Latino descent in gnomAD. At this time, the clinical significance of this variant is uncertain due to the absence of conclusive functional and genetic evidence.

All of Us Research Program, National Institutes of Health
Classification: Uncertain significance for Tuberous sclerosis syndrome. Last evaluated: 2023-05-31. Review status: criteria provided, single submitter. Criteria: ACMG Guidelines, 2015. Collection method: clinical testing. Allele origin: germline. Inheritance: Autosomal dominant inheritance. Observed: 3 variant alleles, 3 heterozygotes.
Comment: This missense variant replaces arginine with serine at codon 1451 of the TSC2 protein. Computational prediction is inconclusive regarding the impact of this variant on protein structure and function (internally defined REVEL score threshold 0.5 < inconclusive < 0.7, PMID: 27666373). To our knowledge, functional studies have not been reported for this variant. This variant has not been reported in individuals affected with tuberous sclerosis complex in the literature. This variant has been identified in 1/239846 chromosomes in the general population by the Genome Aggregation Database (gnomAD). The available evidence is insufficient to determine the role of this variant in disease conclusively. Therefore, this variant is classified as a Variant of Uncertain Significance.

This study involves interpretation of variants in research participants for the purpose of population health screening. Participant phenotype was not available at the time of variant classification. Additional details can be found in publication PMID: 35346344, PMCID: PMC8962531

Genome-Nilou Lab
Classification: Likely benign for Tuberous sclerosis 2. Last evaluated: 2021-11-07. Review status: criteria provided, single submitter. Criteria: ACMG Guidelines, 2015. Collection method: clinical testing. Allele origin: germline. Affected: no.

Literature cited by the submitters: PubMed 33574475 (cited by Women's Health and Genetics/Laboratory Corporation of America, LabCorp).